The following is an entry in ClinVar:

NM_080424.4(SP110):c.1675G>A (p.Asp559Asn)

Gene: SP110 (SP110 nuclear body protein; minus strand). Cytogenetic location: 2q37.1.
Variant type: single nucleotide variant.
Coding change: c.1675G>A on transcript NM_080424.4 (MANE Select); coding-DNA position 1675, G replaced by A.
Protein change: p.Asp559Asn; replaces aspartic acid 559 with asparagine.
Molecular consequence: missense variant.
Genome position (GRCh38, 1-based): chr2:230,172,875, C>T on the plus strand (G>A on the coding strand, the complement: SP110 is on the minus strand). VCF-style: chr2-230172875-C-T. GRCh37 (hg19) VCF-style: chr2-231037591-C-T.
Other names: c.1693G>A, p.Asp565Asn (NM_001378442.1, NM_001378444.1, NM_001378445.1 and 1 more transcripts); c.1675G>A, p.Asp559Asn (NM_001378443.1, NM_004509.5); short protein forms D559N, D565N.
Identifiers: ClinVar variation 2798950 (VCV002798950.3), dbSNP rs2078484915, ClinGen allele CA350901269.

ClinVar aggregate classification (germline): Uncertain significance (1 of 4 stars; one submission).

Conditions:
Hepatic veno-occlusive disease-immunodeficiency syndrome. Also called: Hepatic Veno-Occlusive Disease with Immunodeficiency. Identifiers: Orphanet 79124, MedGen C1856128, MONDO:0009338, OMIM 235550. Disease mechanism: loss of function.

Allele frequency attached by ClinVar (database versions not stated): TOPMed below 0.00001.

Submission:

Labcorp Genetics (formerly Invitae), Labcorp
Classification: Uncertain significance for Hepatic veno-occlusive disease-immunodeficiency syndrome. Last evaluated: 2023-07-03. Review status: criteria provided, single submitter. Criteria: Invitae Variant Classification Sherloc (09022015). Collection method: clinical testing. Allele origin: germline.
Comment: This sequence change replaces aspartic acid, which is acidic and polar, with asparagine, which is neutral and polar, at codon 559 of the SP110 protein (p.Asp559Asn). This variant is not present in population databases (gnomAD no frequency). This variant has not been reported in the literature in individuals affected with SP110-related conditions. Algorithms developed to predict the effect of missense changes on protein structure and function output the following: SIFT: "Not Available"; PolyPhen-2: "Benign"; Align-GVGD: "Not Available". The asparagine amino acid residue is found in multiple mammalian species, which suggests that this missense change does not adversely affect protein function. In summary, the available evidence is currently insufficient to determine the role of this variant in disease. Therefore, it has been classified as a Variant of Uncertain Significance.